The following is an entry in ClinVar:

NM_004260.4(RECQL4):c.475C>A (p.Pro159Thr)

Gene: RECQL4 (RecQ like helicase 4; minus strand). Cytogenetic location: 8q24.3.
Variant type: single nucleotide variant.
Coding change: c.475C>A on transcript NM_004260.4 (MANE Select); coding-DNA position 475, C replaced by A.
Protein change: p.Pro159Thr; replaces proline 159 with threonine.
Molecular consequence: missense variant. On other transcripts: 5 prime UTR variant (15), non-coding transcript variant (3), intron variant (3).
Genome position (GRCh38, 1-based): chr8:144,516,644, G>T on the plus strand (C>A on the coding strand, the complement: RECQL4 is on the minus strand). VCF-style: chr8-144516644-G-T. GRCh37 (hg19) VCF-style: chr8-145742028-G-T.
Other names: c.475C>A, p.Pro159Thr (NM_001413017.1, NM_001413018.1, NM_001413019.1 and 4 more transcripts); c.-597C>A (NM_001413022.1, NM_001413023.1, NM_001413024.1 and 5 more transcripts); c.346C>A, p.Pro116Thr (NM_001413025.1); c.-659C>A (NM_001413027.1, NM_001413030.1, NM_001413031.1 and 2 more transcripts); c.-501C>A (NM_001413034.1); c.-866C>A (NM_001413043.1); c.355-231C>A (NM_001413029.1); c.-366-231C>A (NM_001413021.1); and 1 more; short protein forms P159T, P116T.
Identifiers: ClinVar variation 3712827 (VCV003712827.2).

ClinVar aggregate classification (germline): Uncertain significance (1 of 4 stars; one submission).

Conditions:
Baller-Gerold syndrome (BGS). Also called: CRANIOSYNOSTOSIS WITH RADIAL DEFECTS. Identifiers: Orphanet 1225, MedGen C0265308, MONDO:0009039, OMIM 218600.

Submission:

Labcorp Genetics (formerly Invitae), Labcorp
Classification: Uncertain significance for Baller-Gerold syndrome. Last evaluated: 2024-10-10. Review status: criteria provided, single submitter. Criteria: Invitae Variant Classification Sherloc (09022015). Collection method: clinical testing. Allele origin: germline.
Comment: This sequence change replaces proline, which is neutral and non-polar, with threonine, which is neutral and polar, at codon 159 of the RECQL4 protein (p.Pro159Thr). This variant is not present in population databases (gnomAD no frequency). This variant has not been reported in the literature in individuals affected with RECQL4-related conditions. Invitae Evidence Modeling of protein sequence and biophysical properties (such as structural, functional, and spatial information, amino acid conservation, physicochemical variation, residue mobility, and thermodynamic stability) indicates that this missense variant is not expected to disrupt RECQL4 protein function with a negative predictive value of 80%. In summary, the available evidence is currently insufficient to determine the role of this variant in disease. Therefore, it has been classified as a Variant of Uncertain Significance.